The following is an entry in ClinVar:

NM_001375405.1(CEP120):c.1832G>C (p.Arg611Pro)

Gene: CEP120 (centrosomal protein 120; minus strand). Cytogenetic location: 5q23.2.
Variant type: single nucleotide variant.
Coding change: c.1832G>C on transcript NM_001375405.1 (MANE Select); coding-DNA position 1832, G replaced by C.
Protein change: p.Arg611Pro; replaces arginine 611 with proline.
Molecular consequence: missense variant. On other transcripts: non-coding transcript variant (1).
Genome position (GRCh38, 1-based): chr5:123,383,014, C>G on the plus strand (G>C on the coding strand, the complement: CEP120 is on the minus strand). VCF-style: chr5-123383014-C-G. GRCh37 (hg19) VCF-style: chr5-122718708-C-G.
Other names: c.1754G>C, p.Arg585Pro (NM_001166226.2); c.1697G>C, p.Arg566Pro (NM_001375406.1); c.1832G>C, p.Arg611Pro (NM_001375407.1, NM_153223.4); c.1259G>C, p.Arg420Pro (NM_001375408.1, NM_001375409.1); c.1832G>C (NM_153223.3); short protein forms R420P, R566P, R585P, R611P.
Identifiers: ClinVar variation 3607332 (VCV003607332.3).

ClinVar aggregate classification (germline): Uncertain significance. Review status: criteria provided, multiple submitters, no conflicts (2 of 4 stars). 2 submissions from 2 submitters: Uncertain significance (2). Last evaluated 2025-08-05.

Conditions:
Short-rib thoracic dysplasia 13 with or without polydactyly (SRTD13). Identifiers: Orphanet 474, MedGen C4225378, MONDO:0014577, OMIM 616300.
Inborn genetic diseases. Identifiers: MedGen C0950123, MeSH D030342.

gnomAD v4.1: 1 of 1,593,442 alleles (0.000063%); highest among the groups gnomAD compares: Non-Finnish European, 0.000086%; no homozygotes.

Submissions (2):

Ambry Genetics
Classification: Uncertain significance for Inborn genetic diseases. Last evaluated: 2025-08-05. Review status: criteria provided, single submitter. Criteria: Ambry Variant Classification Scheme 2023. Collection method: clinical testing. Allele origin: germline.

Labcorp Genetics (formerly Invitae), Labcorp
Classification: Uncertain significance for Short-rib thoracic dysplasia 13 with or without polydactyly. Last evaluated: 2024-08-08. Review status: criteria provided, single submitter. Criteria: Invitae Variant Classification Sherloc (09022015). Collection method: clinical testing. Allele origin: germline.
Comment: This sequence change replaces arginine, which is basic and polar, with proline, which is neutral and non-polar, at codon 611 of the CEP120 protein (p.Arg611Pro). This variant is not present in population databases (gnomAD no frequency). This variant has not been reported in the literature in individuals affected with CEP120-related conditions. Advanced modeling of protein sequence and biophysical properties (such as structural, functional, and spatial information, amino acid conservation, physicochemical variation, residue mobility, and thermodynamic stability) performed at Invitae indicates that this missense variant is not expected to disrupt CEP120 protein function with a negative predictive value of 80%. In summary, the available evidence is currently insufficient to determine the role of this variant in disease. Therefore, it has been classified as a Variant of Uncertain Significance.